The following is an entry in ClinVar:

ClinVar aggregate classification (germline): Uncertain significance. Review status: criteria provided, multiple submitters, no conflicts (2 of 4 stars). 4 submissions from 4 submitters: Uncertain significance (4). Last evaluated 2021-11-03.

Conditions:
Trichothiodystrophy 1, photosensitive (TTD1). Also called: TAY SYNDROME; TRICHOTHIODYSTROPHY WITH CONGENITAL ICHTHYOSIS; PIBIDS SYNDROME. Identifiers: Orphanet 33364, MedGen C1866504, MONDO:0011125, OMIM 601675.
Xeroderma pigmentosum, group D (XPD). Also called: XERODERMA PIGMENTOSUM, COMPLEMENTATION GROUP D; XERODERMA PIGMENTOSUM IV; XP, GROUP D; XP, GROUP H; ERCC2-Related Xeroderma Pigmentosum. Identifiers: MedGen C0268138, MONDO:0010212, OMIM 278730.

Allele frequency attached by ClinVar (database versions not stated): gnomAD exomes 0.00002 and 0.00003; TOPMed 0.00003; ExAC 0.00004; gnomAD 0.00005 and 0.00006.
gnomAD v4.1: 42 of 1,613,326 alleles (0.0026%); highest among the groups gnomAD compares: Non-Finnish European, 0.0032%; no homozygotes.

Submissions (4):

Institute for Clinical Genetics, University Hospital TU Dresden, University Hospital TU Dresden
Classification: Uncertain significance. Last evaluated: 2021-11-03. Review status: criteria provided, single submitter. Criteria: ACMG Guidelines, 2015. Collection method: clinical testing. Allele origin: germline.

Labcorp Genetics (formerly Invitae), Labcorp
Classification: Uncertain significance. Last evaluated: 2021-05-18. Review status: criteria provided, single submitter. Criteria: Invitae Variant Classification Sherloc (09022015). Collection method: clinical testing. Allele origin: germline.
Comment: This sequence change replaces valine with alanine at codon 611 of the ERCC2 protein (p.Val611Ala). The valine residue is moderately conserved and there is a small physicochemical difference between valine and alanine. This variant is present in population databases (rs759116129, ExAC 0.008%). This variant has not been reported in the literature in individuals with ERCC2-related conditions. ClinVar contains an entry for this variant (Variation ID: 893461). Algorithms developed to predict the effect of missense changes on protein structure and function (SIFT, PolyPhen-2, Align-GVGD) all suggest that this variant is likely to be tolerated, but these predictions have not been confirmed by published functional studies and their clinical significance is uncertain. In summary, the available evidence is currently insufficient to determine the role of this variant in disease. Therefore, it has been classified as a Variant of Uncertain Significance.

Baylor Genetics
Classification: Uncertain significance for Trichothiodystrophy 1, photosensitive. Last evaluated: 2020-02-05. Review status: criteria provided, single submitter. Criteria: ACMG Guidelines, 2015. Collection method: clinical testing. Allele origin: unknown. Affected: yes. Study: CSER-TexasKidsCanSeq.
Comment: This variant was determined to be of uncertain significance according to ACMG Guidelines, 2015 [PMID:25741868].

Illumina Laboratory Services, Illumina
Classification: Uncertain significance for Xeroderma pigmentosum, group D. Last evaluated: 2018-01-13. Review status: criteria provided, single submitter. Criteria: ICSL Variant Classification Criteria 13 December 2019. Collection method: clinical testing. Allele origin: germline.

NM_000400.4(ERCC2):c.1832T>C (p.Val611Ala)

Gene: ERCC2 (ERCC excision repair 2, TFIIH core complex helicase subunit; minus strand). Cytogenetic location: 19q13.32.
Variant type: single nucleotide variant.
Coding change: c.1832T>C on transcript NM_000400.4 (MANE Select); coding-DNA position 1832, T replaced by C.
Protein change: p.Val611Ala; replaces valine 611 with alanine.
Molecular consequence: missense variant.
Genome position (GRCh38, 1-based): chr19:45,352,816, A>G on the plus strand (T>C on the coding strand, the complement: ERCC2 is on the minus strand). VCF-style: chr19-45352816-A-G. GRCh37 (hg19) VCF-style: chr19-45856074-A-G.
Other names: short protein forms V611A.
Identifiers: ClinVar variation 893461 (VCV000893461.10), dbSNP rs759116129, ClinGen allele CA9513027.